The following is an entry in ClinVar:

ClinVar aggregate classification (germline): Likely benign. Review status: criteria provided, multiple submitters, no conflicts (2 of 4 stars). 3 submissions from 3 submitters: Likely benign (3). Last evaluated 2025-09-14.

Conditions:
CSGALNACT1-related disorder. Also called: CSGALNACT1-related condition.

Allele frequency attached by ClinVar (database versions not stated): ExAC 0.00002; gnomAD exomes 0.00011.
gnomAD v4.1: 162 of 1,600,540 alleles (0.01%); highest among the groups gnomAD compares: Admixed American, 0.013%; no homozygotes.

Submissions (3):

Labcorp Genetics (formerly Invitae), Labcorp
Classification: Likely benign. Last evaluated: 2025-09-14. Review status: criteria provided, single submitter. Criteria: Invitae Variant Classification Sherloc (09022015). Collection method: clinical testing. Allele origin: germline.

PreventionGenetics, part of Exact Sciences
Classification: Likely benign for CSGALNACT1-related condition. Last evaluated: 2025-07-09. Review status: criteria provided, single submitter. Criteria: ACMG Guidelines, 2015. Collection method: clinical testing. Allele origin: germline.
Comment: This variant is classified as likely benign based on ACMG/AMP sequence variant interpretation guidelines (Richards et al. 2015 PMID: 25741868, with internal and published modifications).

Breakthrough Genomics
Classification: Likely benign. Review status: criteria provided, single submitter. Criteria: ACMG Guidelines, 2015. Collection method: not provided. Allele origin: germline. Inheritance: Autosomal recessive inheritance. Affected: yes.

NM_001354483.2(CSGALNACT1):c.953+10A>G

Gene: CSGALNACT1 (chondroitin sulfate N-acetylgalactosaminyltransferase 1; minus strand). Cytogenetic location: 8p21.3.
Variant type: single nucleotide variant.
Coding change: c.953+10A>G on transcript NM_001354483.2 (MANE Select); 10 bases into the intron after coding-DNA position 953, A replaced by G.
Molecular consequence: intron variant.
Genome position (GRCh38, 1-based): chr8:19,439,820, T>C on the plus strand (A>G on the coding strand, the complement: CSGALNACT1 is on the minus strand). VCF-style: chr8-19439820-T-C. GRCh37 (hg19) VCF-style: chr8-19297331-T-C.
Other names: c.953+10A>G (NM_001354476.2, NM_001354481.2, NM_001354477.2 and 19 more transcripts).
Identifiers: ClinVar variation 2174150 (VCV002174150.6), dbSNP rs758078714, ClinGen allele CA4653965.